The following is an entry in ClinVar:

NM_080680.3(COL11A2):c.2546G>A (p.Arg849Gln)

Gene: COL11A2 (collagen type XI alpha 2 chain; minus strand). Cytogenetic location: 6p21.32.
Variant type: single nucleotide variant.
Coding change: c.2546G>A on transcript NM_080680.3 (MANE Select); coding-DNA position 2546, G replaced by A.
Protein change: p.Arg849Gln; replaces arginine 849 with glutamine.
Molecular consequence: missense variant.
Genome position (GRCh38, 1-based): chr6:33,173,910, C>T on the plus strand (G>A on the coding strand, the complement: COL11A2 is on the minus strand). VCF-style: chr6-33173910-C-T. GRCh37 (hg19) VCF-style: chr6-33141687-C-T.
Other names: c.2225G>A, p.Arg742Gln (NM_080679.3); c.2288G>A, p.Arg763Gln (NM_080681.3); short protein forms R742Q, R763Q, R849Q.
Identifiers: ClinVar variation 1060895 (VCV001060895.12), dbSNP rs761524468, ClinGen allele CA3750849.

ClinVar aggregate classification (germline): Conflicting classifications of pathogenicity. Review status: criteria provided, conflicting classifications (1 of 4 stars). 2 submissions from 2 submitters: Uncertain significance (1); Likely benign (1). Last evaluated 2023-11-25.

Allele frequency attached by ClinVar (database versions not stated): ExAC 0.00001; gnomAD exomes 0.00001 and 0.00002; gnomAD 0.00003 and 0.00004; TOPMed 0.00003.
gnomAD v4.1: 29 of 1,613,936 alleles (0.0018%); highest among the groups gnomAD compares: Middle Eastern, 0.016%; no homozygotes.

Submissions (2):

Labcorp Genetics (formerly Invitae), Labcorp
Classification: Likely benign. Last evaluated: 2023-11-25. Review status: criteria provided, single submitter. Criteria: Invitae Variant Classification Sherloc (09022015). Collection method: clinical testing. Allele origin: germline.

GeneDx
Classification: Uncertain significance. Last evaluated: 2023-08-08. Review status: criteria provided, single submitter. Criteria: GeneDx Variant Classification Process June 2021. Collection method: clinical testing. Allele origin: germline. Affected: yes.
Comment: Not observed at a significant frequency in large population cohorts (gnomAD); In silico analysis, which includes protein predictors and evolutionary conservation, supports a deleterious effect; Has not been previously published as pathogenic or benign to our knowledge